The following is an entry in ClinVar:

ClinVar aggregate classification (germline): Uncertain significance (1 of 4 stars; one submission).

Conditions:
Hereditary cancer-predisposing syndrome. Also called: Tumor predisposition; Hereditary Cancer Syndrome; Neoplastic Syndromes, Hereditary; Hereditary neoplastic syndrome. Identifiers: Orphanet 140162, MedGen C0027672, MeSH D009386, MONDO:0015356.

Submission:

Ambry Genetics
Classification: Uncertain significance for Hereditary cancer-predisposing syndrome. Last evaluated: 2026-01-15. Review status: criteria provided, single submitter. Criteria: Ambry Variant Classification Scheme 2023. Collection method: clinical testing. Allele origin: germline.
Comment: The c.3339dupT variant, located in coding exon 20 of the RET gene, results from a duplication of T at nucleotide position 3339, causing a translational frameshift with a predicted alternate stop codon (p.S1114*). This alteration occurs at the 3' terminus of the gene, is not expected to trigger nonsense-mediated mRNAdecay, and impacts the last amino acid of the protein. The exact functional effect of this alteration is unknown. Based on the available evidence, the clinical significance of this variant remains unclear.

NM_020975.6(RET):c.3339dup (p.Ser1114Ter)

Gene: RET (ret proto-oncogene; plus strand). Cytogenetic location: 10q11.21.
Variant type: Duplication.
Coding change: c.3339dup on transcript NM_020975.6 (MANE Select); coding-DNA position 3339, one base duplicated (T; older notation c.3339dupT).
Protein change: p.Ser1114Ter; replaces serine 1114 with a stop codon.
Molecular consequence: nonsense.
Genome position (GRCh38, 1-based): chr10:43,128,263, T duplicated. VCF-style (leftmost placement, unchanged base first): chr10-43128262-A-AT. GRCh37 (hg19) VCF-style: chr10-43623710-A-AT.
Other names: c.3339dup (LRG_518t1); c.3339dupT (NM_020975.4); short protein forms S1114*.
Identifiers: ClinVar variation 486335 (VCV000486335.6), dbSNP rs1554820326, ClinGen allele CA658656088.